The following is an entry in ClinVar:

NM_006939.4(SOS2):c.3427C>T (p.Pro1143Ser)

Gene: SOS2 (SOS Ras/Rho guanine nucleotide exchange factor 2; minus strand). Cytogenetic location: 14q21.3.
Variant type: single nucleotide variant.
Coding change: c.3427C>T on transcript NM_006939.4 (MANE Select); coding-DNA position 3427, C replaced by T.
Protein change: p.Pro1143Ser; replaces proline 1143 with serine.
Molecular consequence: missense variant.
Genome position (GRCh38, 1-based): chr14:50,120,337, G>A on the plus strand (C>T on the coding strand, the complement: SOS2 is on the minus strand). VCF-style: chr14-50120337-G-A. GRCh37 (hg19) VCF-style: chr14-50587055-G-A.
Other names: c.3328C>T, p.Pro1110Ser (NM_001411020.1); short protein forms P1110S, P1143S.
Identifiers: ClinVar variation 1731314 (VCV001731314.2), dbSNP rs1480658842, ClinGen allele CA389639222.
Genomic context (GRCh38, chr14:50,120,337, plus strand): 5'-TGGAATTTGAAGCATCATGATCAAACTTTTTTCGAGGAGGAAGAGGAGGAGGAATCAGGG[G>A]CTCTTCACTTAGTTTATGTAAACTACCACATGAACTAAAGAAAGACTCTGGGGGAGAAAA-3'
Protein context (NP_008870.2, residues 1133-1153): CGSLHKLSEE[Pro1143Ser]LIPPPLPPRK

ClinVar aggregate classification (germline): Uncertain significance (1 of 4 stars; one submission).

Conditions:
Cardiovascular phenotype. Identifiers: MedGen CN230736.

Allele frequency attached by ClinVar (database versions not stated): gnomAD 0.00001; TOPMed 0.00001.
gnomAD v4.1: 4 of 1,608,280 alleles (0.00025%); highest among the groups gnomAD compares: African/African-American, 0.0027%; no homozygotes.

Submission:

Ambry Genetics
Classification: Uncertain significance for Cardiovascular phenotype. Last evaluated: 2022-03-06. Review status: criteria provided, single submitter. Criteria: Ambry Variant Classification Scheme 2023. Collection method: clinical testing. Allele origin: germline.
Comment: The p.P1143S variant (also known as c.3427C>T), located in coding exon 22 of the SOS2 gene, results from a C to T substitution at nucleotide position 3427. The proline at codon 1143 is replaced by serine, an amino acid with similar properties. This amino acid position is conserved. In addition, this alteration is predicted to be tolerated by in silico analysis. Since supporting evidence is limited at this time, the clinical significance of this alteration remains unclear.